The following is an entry in ClinVar:

ClinVar aggregate classification (germline): Uncertain significance (1 of 4 stars; one submission).

Conditions:
Cryopyrin associated periodic syndrome (CAPS). Identifiers: Orphanet 208650, MedGen C2316212, MONDO:0016168.

Allele frequency attached by ClinVar (database versions not stated): TOPMed below 0.00001; gnomAD 0.00001.
gnomAD v4.1: 3 of 1,607,406 alleles (0.00019%); highest among the groups gnomAD compares: Non-Finnish European, 0.00025%; no homozygotes.

Submission:

Labcorp Genetics (formerly Invitae), Labcorp
Classification: Uncertain significance for Cryopyrin associated periodic syndrome. Last evaluated: 2023-09-06. Review status: criteria provided, single submitter. Criteria: Invitae Variant Classification Sherloc (09022015). Collection method: clinical testing. Allele origin: germline.
Comment: This variant has not been reported in the literature in individuals affected with NLRP3-related conditions. In summary, the available evidence is currently insufficient to determine the role of this variant in disease. Therefore, it has been classified as a Variant of Uncertain Significance. Advanced modeling of protein sequence and biophysical properties (such as structural, functional, and spatial information, amino acid conservation, physicochemical variation, residue mobility, and thermodynamic stability) performed at Invitae indicates that this missense variant is not expected to disrupt NLRP3 protein function. This variant is not present in population databases (gnomAD no frequency). This sequence change replaces histidine, which is basic and polar, with proline, which is neutral and non-polar, at codon 713 of the NLRP3 protein (p.His713Pro).

NM_001243133.2(NLRP3):c.2132A>C (p.His711Pro)

Gene: NLRP3 (NLR family pyrin domain containing 3; plus strand). Cytogenetic location: 1q44.
Variant type: single nucleotide variant.
Coding change: c.2132A>C on transcript NM_001243133.2 (MANE Select); coding-DNA position 2132, A replaced by C.
Protein change: p.His711Pro; replaces histidine 711 with proline.
Molecular consequence: missense variant.
Genome position (GRCh38, 1-based): chr1:247,425,581, A>C. VCF-style: chr1-247425581-A-C. GRCh37 (hg19) VCF-style: chr1-247588883-A-C.
Other names: c.2138A>C, p.His713Pro (NM_004895.5); c.2132A>C, p.His711Pro (NM_183395.3, NM_001079821.3, NM_001127461.3 and 1 more transcripts); short protein forms H711P, H713P.
Identifiers: ClinVar variation 2959295 (VCV002959295.3), dbSNP rs767805817, ClinGen allele CA345558731.